The following is an entry in ClinVar:

ClinVar aggregate classification (germline): Uncertain significance (1 of 4 stars; one submission).

Conditions:
Lower motor neuron syndrome with late-adult onset (SMAJ). Also called: Spinal muscular atrophy, Jokela type; Late-Onset Spinal Motor Neuronopathy (SMAJ). Identifiers: Orphanet 276435, MedGen C3554398, MONDO:0014025, OMIM 615048.
Frontotemporal dementia and/or amyotrophic lateral sclerosis 2. Also called: FTDALS2. Identifiers: Orphanet 275872, MedGen C4014648, MONDO:0014395, OMIM 615911.
Autosomal dominant mitochondrial myopathy with exercise intolerance (IMMD). Also called: Myopathy, isolated mitochondrial, autosomal dominant. Identifiers: Orphanet 457050, MedGen C4015513, MONDO:0014532, OMIM 616209.

Submission:

Labcorp Genetics (formerly Invitae), Labcorp
Classification: Uncertain significance for Lower motor neuron syndrome with late-adult onset; Frontotemporal dementia and/or amyotrophic lateral sclerosis 2; Autosomal dominant mitochondrial myopathy with exercise intolerance. Last evaluated: 2022-07-18. Review status: criteria provided, single submitter. Criteria: Invitae Variant Classification Sherloc (09022015). Collection method: clinical testing. Allele origin: germline.
Comment: In summary, the available evidence is currently insufficient to determine the role of this variant in disease. Therefore, it has been classified as a Variant of Uncertain Significance. Algorithms developed to predict the effect of missense changes on protein structure and function output the following: SIFT: "Tolerated"; PolyPhen-2: "Benign"; Align-GVGD: "Class C0". The asparagine amino acid residue is found in multiple mammalian species, which suggests that this missense change does not adversely affect protein function. ClinVar contains an entry for this variant (Variation ID: 640224). This variant has not been reported in the literature in individuals affected with CHCHD10-related conditions. This variant is not present in population databases (gnomAD no frequency). This sequence change replaces serine, which is neutral and polar, with asparagine, which is neutral and polar, at codon 126 of the CHCHD10 protein (p.Ser126Asn).

NM_213720.3(CHCHD10):c.377G>A (p.Ser126Asn)

Gene: CHCHD10 (coiled-coil-helix-coiled-coil-helix domain containing 10; minus strand). Cytogenetic location: 22q11.23.
Variant type: single nucleotide variant.
Coding change: c.377G>A on transcript NM_213720.3 (MANE Select); coding-DNA position 377, G replaced by A.
Protein change: p.Ser126Asn; replaces serine 126 with asparagine.
Molecular consequence: missense variant. On other transcripts: non-coding transcript variant (2).
Genome position (GRCh38, 1-based): chr22:23,766,160, C>T on the plus strand (G>A on the coding strand, the complement: CHCHD10 is on the minus strand). VCF-style: chr22-23766160-C-T. GRCh37 (hg19) VCF-style: chr22-24108347-C-T.
Other names: c.398G>A, p.Ser133Asn (NM_001301339.2); short protein forms S126N, S133N.
Identifiers: ClinVar variation 640224 (VCV000640224.8), dbSNP rs1601354726, ClinGen allele CA410914274.